The following is an entry in ClinVar:

ClinVar aggregate classification (germline): Conflicting classifications of pathogenicity. Review status: criteria provided, conflicting classifications (1 of 4 stars). 2 submissions from 2 submitters: Uncertain significance (1); Likely benign (1). Last evaluated 2025-11-06.

Conditions:
MAPKBP1-related disorder. Also called: MAPKBP1-related condition.

Allele frequency attached by ClinVar (database versions not stated): ExAC 0.00004; gnomAD exomes 0.00006; gnomAD 0.00007; TOPMed 0.00009; ESP Exome Variant Server 0.00015.
gnomAD v4.1: 159 of 1,614,050 alleles (0.0099%); highest among the groups gnomAD compares: Admixed American, 0.015%; no homozygotes.

Submissions (2):

PreventionGenetics, part of Exact Sciences
Classification: Likely benign for MAPKBP1-related condition. Last evaluated: 2025-11-06. Review status: criteria provided, single submitter. Criteria: ACMG Guidelines, 2015. Collection method: clinical testing. Allele origin: germline.
Comment: This variant is classified as likely benign based on ACMG/AMP sequence variant interpretation guidelines (Richards et al. 2015 PMID: 25741868, with internal and published modifications).

Labcorp Genetics (formerly Invitae), Labcorp
Classification: Uncertain significance. Last evaluated: 2022-07-30. Review status: criteria provided, single submitter. Criteria: Invitae Variant Classification Sherloc (09022015). Collection method: clinical testing. Allele origin: germline.
Comment: This sequence change affects codon 484 of the MAPKBP1 mRNA. It is a 'silent' change, meaning that it does not change the encoded amino acid sequence of the MAPKBP1 protein. This variant is present in population databases (rs143874014, gnomAD 0.01%). This variant has not been reported in the literature in individuals affected with MAPKBP1-related conditions. Algorithms developed to predict the effect of sequence changes on RNA splicing suggest that this variant may disrupt the consensus splice site. In summary, the available evidence is currently insufficient to determine the role of this variant in disease. Therefore, it has been classified as a Variant of Uncertain Significance. ClinVar contains an entry for this variant (Variation ID: 1503320).

NM_014994.3(MAPKBP1):c.1434G>A (p.Ser478=)

Gene: MAPKBP1 (mitogen-activated protein kinase binding protein 1; plus strand). Cytogenetic location: 15q15.1.
Variant type: single nucleotide variant.
Coding change: c.1434G>A on transcript NM_014994.3 (MANE Select); coding-DNA position 1434, G replaced by A.
Protein change: p.Ser478=; no amino-acid change (serine 478 retained).
Molecular consequence: synonymous variant. On other transcripts: non-coding transcript variant (2).
Genome position (GRCh38, 1-based): chr15:41,815,740, G>A. VCF-style: chr15-41815740-G-A. GRCh37 (hg19) VCF-style: chr15-42107938-G-A.
Other names: c.1452G>A (NM_001128608.1); c.1452G>A, p.Ser484= (NM_001128608.2); c.1434G>A, p.Ser478= (NM_001265611.2).
Identifiers: ClinVar variation 1503320 (VCV001503320.7), dbSNP rs143874014, ClinGen allele CA7497828.
Genomic context (GRCh38, chr15:41,815,740, plus strand): 5'-GCTGCCTGGAGGAGACAAAGCTGATGCATCCCTGTTGGATCCCCGCGTGGGCATCCGCTC[G>A]GTGTGTGTCAGCCCCAATGGACAGCATCTAGCATCAGGGGACCGTATGGGCACACTTAGG-3'
Protein context (NP_055809.2, residues 468-488): SLLDPRVGIR[Ser478=]VCVSPNGQHL